The following is an entry in ClinVar:

NM_000393.5(COL5A2):c.*2062G>A

Gene: COL5A2 (collagen type V alpha 2 chain; minus strand). Cytogenetic location: 2q32.2.
Variant type: single nucleotide variant.
Coding change: c.*2062G>A on transcript NM_000393.5 (MANE Select); 2062 bases downstream of the stop codon, G replaced by A.
Molecular consequence: 3 prime UTR variant.
Genome position (GRCh38, 1-based): chr2:189,032,008, C>T on the plus strand (G>A on the coding strand, the complement: COL5A2 is on the minus strand). VCF-style: chr2-189032008-C-T. GRCh37 (hg19) VCF-style: chr2-189896734-C-T.
Identifiers: ClinVar variation 333094 (VCV000333094.6), dbSNP rs77821675, ClinGen allele CA10612171.

ClinVar aggregate classification (germline): Benign (1 of 4 stars; one submission).

Conditions:
Ehlers-Danlos syndrome, classic type, 2 (EDSCL2). Also called: Ehlers-Danlos syndrome, type 2; Ehlers-Danlos syndrome type 2 (formerly); Ehlers-Danlos Syndrome, Classic Type, COL5A2-Related. Identifiers: Orphanet 287, Orphanet 90318, MedGen C0268336, MONDO:0019568, OMIM 130010.

Allele frequency attached by ClinVar (database versions not stated): 1000 Genomes Project 0.01158; gnomAD 0.01359 and 0.01258; 1000 Genomes Project 30x 0.01218; TOPMed 0.01361.

Submission:

Illumina Laboratory Services, Illumina
Classification: Benign for Ehlers-Danlos syndrome, classic type, 2. Last evaluated: 2018-01-13. Review status: criteria provided, single submitter. Criteria: ICSL Variant Classification Criteria 13 December 2019. Collection method: clinical testing. Allele origin: germline.
Comment: This variant was observed in the ICSL laboratory as part of a predisposition screen in an ostensibly healthy population. It had not been previously curated by ICSL or reported in the Human Gene Mutation Database (HGMD: prior to June 1st, 2018), and was therefore a candidate for classification through an automated scoring system. Utilizing variant allele frequency, disease prevalence and penetrance estimates, and inheritance mode, an automated score was calculated to assess if this variant is too frequent to cause the disease. Based on the score and internal cut-off values, a variant classified as benign is not then subjected to further curation. The score for this variant resulted in a classification of benign for this disease.